The following is an entry in ClinVar:

NM_017654.4(SAMD9):c.1109C>A (p.Ala370Glu)

Gene: SAMD9 (sterile alpha motif domain containing 9; minus strand). Cytogenetic location: 7q21.2.
Variant type: single nucleotide variant.
Coding change: c.1109C>A on transcript NM_017654.4 (MANE Select); coding-DNA position 1109, C replaced by A.
Protein change: p.Ala370Glu; replaces alanine 370 with glutamic acid.
Molecular consequence: missense variant.
Genome position (GRCh38, 1-based): chr7:93,104,989, G>T on the plus strand (C>A on the coding strand, the complement: SAMD9 is on the minus strand). VCF-style: chr7-93104989-G-T. GRCh37 (hg19) VCF-style: chr7-92734302-G-T.
Other names: c.1109C>A, p.Ala370Glu (NM_001193307.2); short protein forms A370E.
Identifiers: ClinVar variation 3791976 (VCV003791976.1).

ClinVar aggregate classification (germline): Uncertain significance (1 of 4 stars; one submission).

Conditions:
Inborn genetic diseases. Identifiers: MedGen C0950123, MeSH D030342.

Submission:

Ambry Genetics
Classification: Uncertain significance for Inborn genetic diseases. Last evaluated: 2025-01-05. Review status: criteria provided, single submitter. Criteria: Ambry Variant Classification Scheme 2023. Collection method: clinical testing. Allele origin: germline.
Comment: The p.A370E variant (also known as c.1109C>A), located in coding exon 1 of the SAMD9 gene, results from a C to A substitution at nucleotide position 1109. The alanine at codon 370 is replaced by glutamic acid, an amino acid with dissimilar properties. This amino acid position is conserved. In addition, this alteration is predicted to be tolerated by in silico analysis. Based on the available evidence, the clinical significance of this variant remains unclear.